The following is an entry in ClinVar:

ClinVar aggregate classification (germline): Pathogenic (1 of 4 stars; one submission).

Submission:

GeneDx
Classification: Pathogenic. Last evaluated: 2024-03-21. Review status: criteria provided, single submitter. Criteria: GeneDx Variant Classification Process June 2021. Collection method: clinical testing. Allele origin: germline. Affected: yes.
Comment: Has not been previously published as pathogenic or benign to our knowledge; Not observed at significant frequency in large population cohorts (gnomAD); In silico analysis supports that this missense variant has a deleterious effect on protein structure/function

NM_006565.4(CTCF):c.1034A>G (p.His345Arg)

Gene: CTCF (CCCTC-binding factor; plus strand). Cytogenetic location: 16q22.1.
Variant type: single nucleotide variant.
Coding change: c.1034A>G on transcript NM_006565.4 (MANE Select); coding-DNA position 1034, A replaced by G.
Protein change: p.His345Arg; replaces histidine 345 with arginine.
Molecular consequence: missense variant.
Genome position (GRCh38, 1-based): chr16:67,616,826, A>G. VCF-style: chr16-67616826-A-G. GRCh37 (hg19) VCF-style: chr16-67650729-A-G.
Other names: c.50A>G, p.His17Arg (NM_001191022.2); c.1034A>G, p.His345Arg (NM_001363916.2); short protein forms H17R, H345R.
Identifiers: ClinVar variation 3342873 (VCV003342873.1).
Genomic context (GRCh38, chr16:67,616,826, plus strand): 5'-CAGACTGCGACATGGCCTTTGTGACCAGTGGAGAATTGGTTCGGCATCGTCGTTACAAAC[A>G]CACCCACGAGAAGCCATTCAAGTGTTCCATGTGCGATTACGCCAGTGTAGAAGTGAGTGT-3'
Protein context (NP_006556.1, residues 335-355): GELVRHRRYK[His345Arg]THEKPFKCSM